The following is an entry in ClinVar:

NM_001048174.2(MUTYH):c.1462C>G (p.Pro488Ala)

Gene: MUTYH (mutY DNA glycosylase; minus strand). Cytogenetic location: 1p34.1.
Variant type: single nucleotide variant.
Coding change: c.1462C>G on transcript NM_001048174.2 (MANE Select); coding-DNA position 1462, C replaced by G.
Protein change: p.Pro488Ala; replaces proline 488 with alanine.
Molecular consequence: missense variant. On other transcripts: non-coding transcript variant (2).
Genome position (GRCh38, 1-based): chr1:45,329,410, G>C on the plus strand (C>G on the coding strand, the complement: MUTYH is on the minus strand). VCF-style: chr1-45329410-G-C. GRCh37 (hg19) VCF-style: chr1-45795082-G-C.
Other names: c.1546C>G (NM_001128425.1); c.1462C>G, p.Pro488Ala (NM_001048171.2, NM_001048173.2, NM_001293195.2); c.1465C>G, p.Pro489Ala (NM_001048172.2); c.1546C>G, p.Pro516Ala (NM_001128425.2); c.1507C>G, p.Pro503Ala (NM_001293190.2); c.1495C>G, p.Pro499Ala (NM_001293191.2); c.1186C>G, p.Pro396Ala (NM_001293192.2, NM_001293196.2); c.1117C>G, p.Pro373Ala (NM_001350650.2, NM_001350651.2); and 1 more; short protein forms P373A, P513A, P489A, P503A, P488A, P396A, P499A, P516A.
Identifiers: ClinVar variation 1440281 (VCV001440281.7), dbSNP rs1553123034, ClinGen allele CA340131861.

ClinVar aggregate classification (germline): Uncertain significance. Review status: criteria provided, multiple submitters, no conflicts (2 of 4 stars). 2 submissions from 2 submitters: Uncertain significance (2). Last evaluated 2025-08-27.

Conditions:
Hereditary cancer-predisposing syndrome. Also called: Hereditary Cancer Syndrome; Neoplastic Syndromes, Hereditary; Hereditary neoplastic syndrome; Tumor predisposition. Identifiers: Orphanet 140162, MedGen C0027672, MeSH D009386, MONDO:0015356.
Familial adenomatous polyposis 2. Also called: COLORECTAL ADENOMATOUS POLYPOSIS, AUTOSOMAL RECESSIVE; ADENOMAS, MULTIPLE COLORECTAL, AUTOSOMAL RECESSIVE; MUTYH-associated polyposis; MUTYH Polyposis; Adenomas, multiple colorectal; MUTYH-related attenuated familial adenomatous polyposis. Identifiers: Orphanet 220460, Orphanet 247798, MedGen C3272841, MONDO:0012041, OMIM 608456.

Submissions (2):

Ambry Genetics
Classification: Uncertain significance for Hereditary cancer-predisposing syndrome. Last evaluated: 2025-08-27. Review status: criteria provided, single submitter. Criteria: Ambry Variant Classification Scheme 2023. Collection method: clinical testing. Allele origin: germline.
Comment: The p.P516A variant (also known as c.1546C>G), located in coding exon 16 of the MUTYH gene, results from a C to G substitution at nucleotide position 1546. The proline at codon 516 is replaced by alanine, an amino acid with highly similar properties. This amino acid position is conserved. In addition, this alteration is predicted to be tolerated by in silico analysis. Based on the available evidence, the clinical significance of this variant remains unclear.

Labcorp Genetics (formerly Invitae), Labcorp
Classification: Uncertain significance for Familial adenomatous polyposis 2. Last evaluated: 2024-04-22. Review status: criteria provided, single submitter. Criteria: Invitae Variant Classification Sherloc (09022015). Collection method: clinical testing. Allele origin: germline.
Comment: This sequence change replaces proline, which is neutral and non-polar, with alanine, which is neutral and non-polar, at codon 516 of the MUTYH protein (p.Pro516Ala). This variant is not present in population databases (gnomAD no frequency). This variant has not been reported in the literature in individuals affected with MUTYH-related conditions. ClinVar contains an entry for this variant (Variation ID: 1440281). An algorithm developed to predict the effect of missense changes on protein structure and function (PolyPhen-2) suggests that this variant is likely to be tolerated. In summary, the available evidence is currently insufficient to determine the role of this variant in disease. Therefore, it has been classified as a Variant of Uncertain Significance.